The following is an entry in ClinVar:

NM_001352027.3(PHF21A):c.816_823del (p.Thr273fs)

Gene: PHF21A (PHD finger protein 21A; minus strand). Cytogenetic location: 11p11.2.
Variant type: Deletion.
Coding change: c.816_823del on transcript NM_001352027.3 (MANE Select); coding-DNA positions 816 to 823, 8 bases deleted (CACAACCC; older notation c.816_823delCACAACCC).
Protein change: p.Thr273fs; shifts the reading frame from threonine 273.
Molecular consequence: frameshift variant. On other transcripts: non-coding transcript variant (2).
Genome position (GRCh38, 1-based): chr11:45,965,488-45,965,495, GGGTTGTG deleted on the plus strand (CACAACCC on the coding strand, the reverse complement: PHF21A is on the minus strand); deleting any 8 consecutive bases within chr11:45,965,488-45,965,498 gives the same sequence; the c. name uses the placement nearest the transcript's 3' end. VCF-style (leftmost placement, unchanged base first): chr11-45965487-AGGGTTGTG-A. GRCh37 (hg19) VCF-style: chr11-45987038-AGGGTTGTG-A.
Other names: c.813_820del, p.Thr272fs (NM_001101802.3, NM_001352030.3, NM_001352031.3 and 1 more transcripts); c.816_823del, p.Thr273fs (NM_001352025.3, NM_001352026.3, NM_001352028.1 and 2 more transcripts); short protein forms T272fs, T273fs.
Identifiers: ClinVar variation 1333273 (VCV001333273.1), dbSNP rs2135936249, ClinGen allele CA2573053499.

ClinVar aggregate classification (germline): Pathogenic (1 of 4 stars; one submission).

Conditions:
Intellectual developmental disorder with behavioral abnormalities and craniofacial dysmorphism with or without seizures. Identifiers: MedGen C5231476, MONDO:0032883, OMIM 618725.

Submission:

3billion
Classification: Pathogenic for Intellectual developmental disorder with behavioral abnormalities and craniofacial dysmorphism with or without seizures. Last evaluated: 2022-01-03. Review status: criteria provided, single submitter. Criteria: ACMG Guidelines, 2015. Collection method: clinical testing. Allele origin: germline. Affected: yes. Observed: 1 heterozygote.
Comment: Frameshift: predicted to result in a loss or disruption of normal protein function through nonsense-mediated decay (NMD) or protein truncation. Multiple pathogenic variants are reported downstream of the variant (PVS1_VS). It is not observed in the gnomAD v2.1.1 dataset (PM2_M). The variantwas confirmed as de novo (3billion dataset, PS2_S). Therefore, this variant is classified as pathogenic according to the recommendation of ACMG/AMP guideline.